The following is an entry in ClinVar:

ClinVar aggregate classification (germline): Benign. Review status: criteria provided, multiple submitters, no conflicts (2 of 4 stars). 6 submissions from 5 submitters: Benign (6). Last evaluated 2026-01-24.

Conditions:
Autosomal recessive ataxia, Beauce type. Also called: SYNE1 Deficiency; SYNE1-Related Autosomal Recessive Cerebellar Ataxia; Spinocerebellar ataxia, autosomal recessive 8; ATAXIA, RECESSIVE, OF BEAUCE. Identifiers: Orphanet 88644, MedGen C1853116, MONDO:0012549, OMIM 610743.
Emery-Dreifuss muscular dystrophy 4, autosomal dominant (EDMD4). Also called: EMERY-DREIFUSS MUSCULAR DYSTROPHY 4 WITH VARIABLE FEATURES. Identifiers: Orphanet 261, MedGen C2751807, MONDO:0013071, OMIM 612998.

Allele frequency attached by ClinVar (database versions not stated): gnomAD exomes 0.00085 and 0.00216; ExAC 0.00286; gnomAD 0.00877 and 0.00944; 1000 Genomes Project 0.00899; ESP Exome Variant Server 0.00900; 1000 Genomes Project 30x 0.00937; TOPMed 0.01020.
gnomAD v4.1: 2,643 of 1,614,028 alleles (0.16%); highest among the groups gnomAD compares: African/African-American, 3.1%; 36 homozygotes.

Submissions (6):

Labcorp Genetics (formerly Invitae), Labcorp
Classification: Benign for Emery-Dreifuss muscular dystrophy 4, autosomal dominant; Autosomal recessive ataxia, Beauce type. Last evaluated: 2026-01-24. Review status: criteria provided, single submitter. Criteria: Invitae Variant Classification Sherloc (09022015). Collection method: clinical testing. Allele origin: germline.

Athena Diagnostics
Classification: Benign. Last evaluated: 2024-04-15. Review status: criteria provided, single submitter. Criteria: Athena Diagnostics Criteria. Collection method: clinical testing. Allele origin: unknown.

Mayo Clinic Laboratories, Mayo Clinic
Classification: Benign. Last evaluated: 2018-10-12. Review status: criteria provided, single submitter. Criteria: ACMG Guidelines, 2015. Collection method: clinical testing. Allele origin: germline. Observed: 6 variant alleles.

Illumina Laboratory Services, Illumina
Classification: Benign for Emery-Dreifuss muscular dystrophy 4, autosomal dominant. Last evaluated: 2018-01-13. Review status: criteria provided, single submitter. Criteria: ICSL Variant Classification Criteria 13 December 2019. Collection method: clinical testing. Allele origin: germline.
Comment: This variant was observed in the ICSL laboratory as part of a predisposition screen in an ostensibly healthy population. It had not been previously curated by ICSL or reported in the Human Gene Mutation Database (HGMD: prior to June 1st, 2018), and was therefore a candidate for classification through an automated scoring system. Utilizing variant allele frequency, disease prevalence and penetrance estimates, and inheritance mode, an automated score was calculated to assess if this variant is too frequent to cause the disease. Based on the score and internal cut-off values, a variant classified as benign is not then subjected to further curation. The score for this variant resulted in a classification of benign for this disease.

Illumina Laboratory Services, Illumina
Classification: Benign for Autosomal recessive ataxia, Beauce type. Last evaluated: 2018-01-13. Review status: criteria provided, single submitter. Criteria: ICSL Variant Classification Criteria 13 December 2019. Collection method: clinical testing. Allele origin: germline.
Comment: the same text as in the submission from Illumina Laboratory Services, Illumina above.

GeneDx
Classification: Benign. Last evaluated: 2016-08-02. Review status: criteria provided, single submitter. Criteria: GeneDx Variant Classification (06012015). Collection method: clinical testing. Allele origin: germline. Affected: yes.
Comment: This variant is considered likely benign or benign based on one or more of the following criteria: it is a conservative change, it occurs at a poorly conserved position in the protein, it is predicted to be benign by multiple in silico algorithms, and/or has population frequency not consistent with disease.

Literature cited by the submitters: PubMed 24123366 (cited by Athena Diagnostics); PubMed 21701589 (cited by Athena Diagnostics).

NM_182961.4(SYNE1):c.5429C>T (p.Ala1810Val)

Gene: SYNE1 (spectrin repeat containing nuclear envelope protein 1; minus strand). Cytogenetic location: 6q25.2.
Variant type: single nucleotide variant.
Coding change: c.5429C>T on transcript NM_182961.4 (MANE Select); coding-DNA position 5429, C replaced by T.
Protein change: p.Ala1810Val; replaces alanine 1810 with valine.
Molecular consequence: missense variant.
Genome position (GRCh38, 1-based): chr6:152,417,008, G>A on the plus strand (C>T on the coding strand, the complement: SYNE1 is on the minus strand). VCF-style: chr6-152417008-G-A. GRCh37 (hg19) VCF-style: chr6-152738143-G-A.
Other names: p.Ala1817Val; c.5450C>T, p.Ala1817Val (NM_033071.5); short protein forms A1810V, A1817V.
Identifiers: ClinVar variation 355922 (VCV000355922.18), dbSNP rs76393834, ClinGen allele CA4058271.